The following is an entry in ClinVar:

ClinVar aggregate classification (germline): Uncertain significance. Review status: criteria provided, multiple submitters, no conflicts (2 of 4 stars). 2 submissions from 2 submitters: Uncertain significance (2). Last evaluated 2026-02-02.

Conditions:
Inborn genetic diseases. Identifiers: MedGen C0950123, MeSH D030342.

Allele frequency attached by ClinVar (database versions not stated): gnomAD 0.00005 and 0.00006; TOPMed 0.00006; gnomAD exomes 0.00008 and 0.00016; ExAC 0.00012.
gnomAD v4.1: 238 of 1,613,764 alleles (0.015%); highest among the groups gnomAD compares: Non-Finnish European, 0.019%; no homozygotes.

Submissions (2):

Labcorp Genetics (formerly Invitae), Labcorp
Classification: Uncertain significance. Last evaluated: 2026-02-02. Review status: criteria provided, single submitter. Criteria: Invitae Variant Classification Sherloc (09022015). Collection method: clinical testing. Allele origin: germline.
Comment: This sequence change replaces leucine, which is neutral and non-polar, with proline, which is neutral and non-polar, at codon 17 of the SKIV2L protein (p.Leu17Pro). This variant is present in population databases (rs748648920, gnomAD 0.01%). This variant has not been reported in the literature in individuals affected with SKIV2L-related conditions. ClinVar contains an entry for this variant (Variation ID: 1408340). An algorithm developed to predict the effect of missense changes on protein structure and function (PolyPhen-2) suggests that this variant is likely to be disruptive. In summary, the available evidence is currently insufficient to determine the role of this variant in disease. Therefore, it has been classified as a Variant of Uncertain Significance.

Ambry Genetics
Classification: Uncertain significance for Inborn genetic diseases. Last evaluated: 2021-08-12. Review status: criteria provided, single submitter. Criteria: Ambry Variant Classification Scheme 2023. Collection method: clinical testing. Allele origin: germline.

NM_006929.5(SKIC2):c.50T>C (p.Leu17Pro)

Gene: SKIC2 (SKI2 subunit of superkiller complex; plus strand). Cytogenetic location: 6p21.33.
Variant type: single nucleotide variant.
Coding change: c.50T>C on transcript NM_006929.5 (MANE Select); coding-DNA position 50, T replaced by C.
Protein change: p.Leu17Pro; replaces leucine 17 with proline.
Molecular consequence: missense variant.
Genome position (GRCh38, 1-based): chr6:31,959,324, T>C. VCF-style: chr6-31959324-T-C. GRCh37 (hg19) VCF-style: chr6-31927101-T-C.
Other names: c.50T>C (NM_006929.4); short protein forms L17P.
Identifiers: ClinVar variation 1408340 (VCV001408340.6), dbSNP rs748648920, ClinGen allele CA3729052.
Genomic context (GRCh38, chr6:31,959,324, plus strand): 5'-CTTTGACCCCTGACTTTTGACCTTTCCCCGTAGTGCTACCCCCTCCAGATCCCCTGGACC[T>C]ACCCCTTCGGGCCGTGGAGCTCGGATGCACGGGGCACTGGGAGCTGCTGAACTTGCCTGG-3'
Protein context (NP_008860.4, residues 7-27): LVLPPPDPLD[Leu17Pro]PLRAVELGCT